The following is an entry in ClinVar:

NM_000780.4(CYP7A1):c.747G>A (p.Lys249=)

Gene: CYP7A1 (cytochrome P450 family 7 subfamily A member 1; minus strand). Cytogenetic location: 8q12.1.
Variant type: single nucleotide variant.
Coding change: c.747G>A on transcript NM_000780.4 (MANE Select); coding-DNA position 747, G replaced by A.
Protein change: p.Lys249=; no amino-acid change (lysine 249 retained).
Molecular consequence: synonymous variant.
Genome position (GRCh38, 1-based): chr8:58,496,765, C>T on the plus strand (G>A on the coding strand, the complement: CYP7A1 is on the minus strand). VCF-style: chr8-58496765-C-T. GRCh37 (hg19) VCF-style: chr8-59409324-C-T.
Identifiers: ClinVar variation 4991433 (VCV004991433.1).
Genomic context (GRCh38, chr8:58,496,765, plus strand): 5'-GGTGGACAAAGTGTCATTGAGAAACATGCGCAGGCTGATCAGTTCTGAGATGCTTTCCCT[C>T]TTTTGGAGGTTCTCGTGCCTCAAGCTCTCTGCCAGTTTCTCCCGGGCATTGTGCGCAGTC-3'
Protein context (NP_000771.2, residues 239-259): AESLRHENLQ[Lys249=]RESISELISL

ClinVar aggregate classification (germline): Likely benign (1 of 4 stars; one submission).

Conditions:
CYP7A1-related disorder. Also called: CYP7A1-related condition.

Submission:

PreventionGenetics, part of Exact Sciences
Classification: Likely benign for CYP7A1-related condition. Last evaluated: 2025-09-02. Review status: criteria provided, single submitter. Criteria: ACMG Guidelines, 2015. Collection method: clinical testing. Allele origin: germline.
Comment: This variant is classified as likely benign based on ACMG/AMP sequence variant interpretation guidelines (Richards et al. 2015 PMID: 25741868, with internal and published modifications).